The following is an entry in ClinVar:

NM_001348716.2(KDM6B):c.3607C>A (p.Gln1203Lys)

Gene: KDM6B (lysine demethylase 6B; plus strand). Cytogenetic location: 17p13.1.
Variant type: single nucleotide variant.
Coding change: c.3607C>A on transcript NM_001348716.2 (MANE Select); coding-DNA position 3607, C replaced by A.
Protein change: p.Gln1203Lys; replaces glutamine 1203 with lysine.
Molecular consequence: missense variant.
Genome position (GRCh38, 1-based): chr17:7,850,111, C>A. VCF-style: chr17-7850111-C-A. GRCh37 (hg19) VCF-style: chr17-7753429-C-A.
Other names: c.3607C>A, p.Gln1203Lys (NM_001080424.2); short protein forms Q1203K.
Identifiers: ClinVar variation 4282492 (VCV004282492.2).

ClinVar aggregate classification (germline): Uncertain significance (1 of 4 stars; one submission).

gnomAD v4.1: 1 of 1,613,810 alleles (0.000062%); highest among the groups gnomAD compares: African/African-American, 0.0013%; no homozygotes.

Submission:

GeneDx
Classification: Uncertain significance. Last evaluated: 2026-01-20. Review status: criteria provided, single submitter. Criteria: GeneDx Variant Classification Process June 2021. Collection method: clinical testing. Allele origin: germline.
Comment: Not observed at significant frequency in large population cohorts (gnomAD); In silico analysis supports that this missense variant has a deleterious effect on protein structure/function; Has not been previously published as pathogenic or benign to our knowledge